The following is an entry in ClinVar:

NM_000128.4(F11):c.1822T>C (p.Tyr608His)

Genes: F11 (coagulation factor XI; plus strand), F11-AS1 (F11 antisense RNA 1; minus strand). Cytogenetic location: 4q35.2.
Variant type: single nucleotide variant.
Coding change: c.1822T>C on transcript NM_000128.4 (MANE Select); coding-DNA position 1822, T replaced by C.
Protein change: p.Tyr608His; replaces tyrosine 608 with histidine.
Molecular consequence: missense variant. On other transcripts: non-coding transcript variant (1).
Genome position (GRCh38, 1-based): chr4:186,288,558, T>C. VCF-style: chr4-186288558-T-C. GRCh37 (hg19) VCF-style: chr4-187209712-T-C.
Other names: c.1822T>C (LRG_583t1); short protein forms Y608H.
Identifiers: ClinVar variation 68189 (VCV000068189.5), dbSNP rs281875255, ClinGen allele CA219132.

ClinVar aggregate classification (germline): Conflicting classifications of pathogenicity. Review status: criteria provided, conflicting classifications (1 of 4 stars). 5 submissions from 5 submitters: Pathogenic (2); Likely pathogenic (1); Uncertain significance (1). 1 of the submissions does not count toward it. Last evaluated 2025-11-18.

Conditions:
Hereditary factor XI deficiency disease. Also called: Congenital factor XI deficiency; PLASMA THROMBOPLASTIN ANTECEDENT DEFICIENCY; PTA DEFICIENCY; ROSENTHAL SYNDROME. Identifiers: Orphanet 329, MedGen C0015523, MeSH D005173, MONDO:0012897, OMIM 612416.

Submissions (5):

Women's Health and Genetics/Laboratory Corporation of America, LabCorp
Classification: Uncertain significance. Last evaluated: 2025-11-18. Review status: criteria provided, single submitter. Criteria: LabCorp Variant Classification Summary - May 2015. Collection method: clinical testing. Allele origin: germline.
Comment: Variant summary: F11 c.1822T>C (p.Tyr608His) results in a conservative amino acid change in the encoded protein sequence. Algorithms developed to predict the effect of missense changes on protein structure and function are either unavailable or do not agree on the potential impact of this missense change. The variant was absent in 251488 control chromosomes (gnomAD). c.1822T>C has been observed in at least one individual affected with AR-Hereditary Factor XI Deficiency Disease (Fard-Esfahani_2008). These data indicate that the variant may be associated with disease. To our knowledge, no experimental evidence demonstrating an impact on protein function has been reported. The following publications have been ascertained in the context of this evaluation (PMID: 24112640, 18005151). ClinVar contains an entry for this variant (Variation ID: 68189). Based on the evidence outlined above, the variant was classified as VUS-possibly pathogenic.

First Genomix Gene Laboratory, Genetic Diagnostics Department
Classification: Likely pathogenic for Hereditary factor XI deficiency disease. Last evaluated: 2025-05-02. Review status: criteria provided, single submitter. Criteria: ACMG Guidelines, 2015. Collection method: clinical testing. Allele origin: germline. Inheritance: Autosomal recessive inheritance. Affected: no. Observed: 1 variant allele.

Cell Therapy Center, University of Jordan
Classification: Pathogenic for Hereditary factor XI deficiency disease. Last evaluated: 2024-12-01. Review status: criteria provided, single submitter. Criteria: ACMG Guidelines, 2015. Collection method: clinical testing. Allele origin: germline. Inheritance: Autosomal recessive inheritance. Affected: yes and no. Observed: 2 heterozygotes. Clinical features observed: Reduced factor XI activity (HP:0001929), Menorrhagia (HP:0000132), Prolonged partial thromboplastin time (HP:0003645).
Comment: The F11 c.1822T>C (p.Tyr608His), is a missense variant which classified as Pathogenic according to ACMG Guidelines (2015). PS4: applies since this variant appeared in affected cases before ClinVar Submission Accession: SCV001190240). PM1 applies since it is located in exonic hotspot without benign missense mutations located around ± 5 residues. PM2 applies since it is absent from controls in Sequencing Project the genomAD. PP2 applies In F11 gene which missense variation is a common cause of disease. PP3 applies since in silico prediction is pathogenic strong 0.9-1.0 (Polyphen) and deleterious (SIFT). PP5 is still can be used since the mutation is reported as pathogenic in ClinVar where number of submissions was: 1 Pathogenic (RCV001027677.3) Altogether, giving the evidence that supports a pathogenic classification, meeting ACMG criteria PS4, PM1, PM2, PP2, PP3, and PP5.This variant was found in compound heterozygous with other variant in the F11 gene c.1060G>A (p.Gly354Arg).

Equipe Genetique des Anomalies du Developpement, Université de Bourgogne
Classification: Pathogenic for Hereditary factor XI deficiency disease. Last evaluated: 2019-05-13. Review status: criteria provided, single submitter. Criteria: ACMG Guidelines, 2015. Collection method: clinical testing. Allele origin: unknown. Affected: yes.

UniProtKB/Swiss-Prot
No classification provided. Review status: no classification provided. Collection method: not provided. Allele origin: not provided. Not counted in ClinVar's aggregate classification.

Literature cited by the submitters: PubMed 18005151 (cited by Women's Health and Genetics/Laboratory Corporation of America, LabCorp and Cell Therapy Center, University of Jordan); PubMed 24112640 (cited by Women's Health and Genetics/Laboratory Corporation of America, LabCorp); PubMed 41124306 (cited by Cell Therapy Center, University of Jordan).